The following is an entry in ClinVar:

ClinVar aggregate classification (germline): Uncertain significance. Review status: criteria provided, multiple submitters, no conflicts (2 of 4 stars). 4 submissions from 4 submitters: Uncertain significance (4). Last evaluated 2025-11-26.

Conditions:
Inborn genetic diseases. Identifiers: MedGen C0950123, MeSH D030342.
Nephronophthisis. Also called: Juvenile Nephronophthisis. Identifiers: Orphanet 655, MedGen C0687120, MONDO:0019005, HP:0000090.
NPHP4-related disorder. Also called: NPHP4-related disorders; NPHP4-related condition. Identifiers: MedGen CN239384.
Senior-Loken syndrome 4 (SLSN4). Identifiers: Orphanet 3156, MedGen C1846979, MONDO:0011756, OMIM 606996.
Nephronophthisis 4 (NPHP4). Also called: NEPHRONOPHTHISIS 4, JUVENILE. Identifiers: Orphanet 655, MedGen C1847013, MONDO:0011752, OMIM 606966.

Allele frequency attached by ClinVar (database versions not stated): gnomAD exomes 0.00002 and 0.00004; ExAC 0.00004; gnomAD 0.00005 and 0.00006; TOPMed 0.00005; ESP Exome Variant Server 0.00008; 1000 Genomes Project 30x 0.00016; 1000 Genomes Project 0.00020.
gnomAD v4.1: 48 of 1,614,048 alleles (0.003%); highest among the groups gnomAD compares: African/African-American, 0.017%; no homozygotes.

Submissions (4):

PreventionGenetics, part of Exact Sciences
Classification: Uncertain significance for NPHP4-related condition. Last evaluated: 2025-11-26. Review status: criteria provided, single submitter. Criteria: ACMG Guidelines, 2015. Collection method: clinical testing. Allele origin: germline.
Comment: The NPHP4 c.4261G>A variant is predicted to result in the amino acid substitution p.Val1421Met. To our knowledge, this variant has not been reported in the literature. This variant is reported in 0.021% of alleles in individuals of African descent in gnomAD. At this time, the clinical significance of this variant is uncertain due to the absence of conclusive functional and genetic evidence.

Ambry Genetics
Classification: Uncertain significance for Inborn genetic diseases. Last evaluated: 2025-01-23. Review status: criteria provided, single submitter. Criteria: Ambry Variant Classification Scheme 2023. Collection method: clinical testing. Allele origin: germline.

Labcorp Genetics (formerly Invitae), Labcorp
Classification: Uncertain significance for Nephronophthisis. Last evaluated: 2024-11-05. Review status: criteria provided, single submitter. Criteria: Invitae Variant Classification Sherloc (09022015). Collection method: clinical testing. Allele origin: germline.
Comment: This sequence change replaces valine, which is neutral and non-polar, with methionine, which is neutral and non-polar, at codon 1421 of the NPHP4 protein (p.Val1421Met). This variant is present in population databases (rs371657189, gnomAD 0.02%). This variant has not been reported in the literature in individuals affected with NPHP4-related conditions. ClinVar contains an entry for this variant (Variation ID: 1005319). Invitae Evidence Modeling of protein sequence and biophysical properties (such as structural, functional, and spatial information, amino acid conservation, physicochemical variation, residue mobility, and thermodynamic stability) indicates that this missense variant is expected to disrupt NPHP4 protein function with a positive predictive value of 80%. In summary, the available evidence is currently insufficient to determine the role of this variant in disease. Therefore, it has been classified as a Variant of Uncertain Significance.

Fulgent Genetics
Classification: Uncertain significance for Nephronophthisis 4; Senior-Loken syndrome 4. Last evaluated: 2022-04-07. Review status: criteria provided, single submitter. Criteria: ACMG Guidelines, 2015. Collection method: clinical testing. Allele origin: unknown.

NM_015102.5(NPHP4):c.4261G>A (p.Val1421Met)

Gene: NPHP4 (nephrocystin 4; minus strand). Cytogenetic location: 1p36.31.
Variant type: single nucleotide variant.
Coding change: c.4261G>A on transcript NM_015102.5 (MANE Select); coding-DNA position 4261, G replaced by A.
Protein change: p.Val1421Met; replaces valine 1421 with methionine.
Molecular consequence: missense variant. On other transcripts: non-coding transcript variant (1).
Genome position (GRCh38, 1-based): chr1:5,863,285, C>T on the plus strand (G>A on the coding strand, the complement: NPHP4 is on the minus strand). VCF-style: chr1-5863285-C-T. GRCh37 (hg19) VCF-style: chr1-5923345-C-T.
Other names: c.4261G>A (NM_015102.4, NM_015102.3); c.2722G>A, p.Val908Met (NM_001291593.2); c.2725G>A, p.Val909Met (NM_001291594.2); short protein forms V1421M, V908M, V909M.
Identifiers: ClinVar variation 1005319 (VCV001005319.11), dbSNP rs371657189, ClinGen allele CA553286.